The following is an entry in ClinVar:

ClinVar aggregate classification (germline): Uncertain significance. Review status: criteria provided, multiple submitters, no conflicts (2 of 4 stars). 3 submissions from 3 submitters: Uncertain significance (3). Last evaluated 2026-05-24.

Conditions:
Hereditary cancer-predisposing syndrome. Also called: Hereditary Cancer Syndrome; Hereditary neoplastic syndrome; Neoplastic Syndromes, Hereditary; Tumor predisposition. Identifiers: Orphanet 140162, MedGen C0027672, MeSH D009386, MONDO:0015356.
Haddad syndrome (OHD). Also called: Ondine-Hirschsprung disease. Identifiers: Orphanet 99803, MedGen C1859049, MONDO:0020493.

Submissions (3):

GeneDx
Classification: Uncertain significance. Last evaluated: 2026-05-24. Review status: criteria provided, single submitter. Criteria: GeneDx Variant Classification Process June 2021. Collection method: clinical testing. Allele origin: germline.
Comment: Not observed at significant frequency in large population cohorts (gnomAD); In silico analysis supports that this missense variant has a deleterious effect on protein structure/function; Has not been previously published as pathogenic or benign to our knowledge

Labcorp Genetics (formerly Invitae), Labcorp
Classification: Uncertain significance for Haddad syndrome. Last evaluated: 2023-07-07. Review status: criteria provided, single submitter. Criteria: Invitae Variant Classification Sherloc (09022015). Collection method: clinical testing. Allele origin: germline.
Comment: This variant is not present in population databases (gnomAD no frequency). This sequence change replaces alanine, which is neutral and non-polar, with valine, which is neutral and non-polar, at codon 151 of the PHOX2B protein (p.Ala151Val). In summary, the available evidence is currently insufficient to determine the role of this variant in disease. Therefore, it has been classified as a Variant of Uncertain Significance. Advanced modeling of protein sequence and biophysical properties (such as structural, functional, and spatial information, amino acid conservation, physicochemical variation, residue mobility, and thermodynamic stability) performed at Invitae indicates that this missense variant is expected to disrupt PHOX2B protein function. ClinVar contains an entry for this variant (Variation ID: 1741264). This variant has not been reported in the literature in individuals affected with PHOX2B-related conditions.

Ambry Genetics
Classification: Uncertain significance for Hereditary cancer-predisposing syndrome. Last evaluated: 2020-04-30. Review status: criteria provided, single submitter. Criteria: Ambry Variant Classification Scheme 2023. Collection method: clinical testing. Allele origin: germline.
Comment: The p.A151V variant (also known as c.452C>T), located in coding exon 3 of the PHOX2B gene, results from a C to T substitution at nucleotide position 452. The alanine at codon 151 is replaced by valine, an amino acid with similar properties. This amino acid position is highly conserved in available vertebrate species. In addition, this alteration is predicted to be deleterious by in silico analysis. Since supporting evidence is limited at this time, the clinical significance of this alteration remains unclear.

NM_003924.4(PHOX2B):c.452C>T (p.Ala151Val)

Gene: PHOX2B (paired like homeobox 2B; minus strand). Cytogenetic location: 4p13.
Variant type: single nucleotide variant.
Coding change: c.452C>T on transcript NM_003924.4 (MANE Select); coding-DNA position 452, C replaced by T.
Protein change: p.Ala151Val; replaces alanine 151 with valine.
Molecular consequence: missense variant.
Genome position (GRCh38, 1-based): chr4:41,746,300, G>A on the plus strand (C>T on the coding strand, the complement: PHOX2B is on the minus strand). VCF-style: chr4-41746300-G-A. GRCh37 (hg19) VCF-style: chr4-41748317-G-A.
Other names: short protein forms A151V.
Identifiers: ClinVar variation 1741264 (VCV001741264.7), dbSNP rs2552096906, ClinGen allele CA356738790.